The following is an entry in ClinVar:

NM_022836.4(DCLRE1B):c.950C>G (p.Pro317Arg)

Gene: DCLRE1B (DNA cross-link repair 1B; plus strand). Cytogenetic location: 1p13.2.
Variant type: single nucleotide variant.
Coding change: c.950C>G on transcript NM_022836.4 (MANE Select); coding-DNA position 950, C replaced by G.
Protein change: p.Pro317Arg; replaces proline 317 with arginine.
Molecular consequence: missense variant.
Genome position (GRCh38, 1-based): chr1:113,911,542, C>G. VCF-style: chr1-113911542-C-G. GRCh37 (hg19) VCF-style: chr1-114454164-C-G.
Other names: c.572C>G, p.Pro191Arg (NM_001319946.2, NM_001319947.2, NM_001363691.2); c.950C>G, p.Pro317Arg (NM_001363690.2, LRG_1219t1); short protein forms P191R, P317R.
Identifiers: ClinVar variation 640833 (VCV000640833.8), dbSNP rs754841219, ClinGen allele CA1016499.

ClinVar aggregate classification (germline): Uncertain significance (1 of 4 stars; one submission).

Conditions:
Hoyeraal-Hreidarsson syndrome (HHS). Also called: CEREBELLAR HYPOPLASIA WITH PANCYTOPENIA. Identifiers: Orphanet 3322, MedGen C1846142, MONDO:0018045.
Autosomal recessive dyskeratosis congenita. Identifiers: MedGen C3502105.

Allele frequency attached by ClinVar (database versions not stated): ExAC 0.00001.
gnomAD v4.1: 28 of 1,612,858 alleles (0.0017%); highest among the groups gnomAD compares: Non-Finnish European, 0.0022%; no homozygotes.

Submission:

Labcorp Genetics (formerly Invitae), Labcorp
Classification: Uncertain significance for Hoyeraal-Hreidarsson syndrome; Autosomal recessive dyskeratosis congenita. Last evaluated: 2023-08-04. Review status: criteria provided, single submitter. Criteria: Invitae Variant Classification Sherloc (09022015). Collection method: clinical testing. Allele origin: germline.
Comment: In summary, the available evidence is currently insufficient to determine the role of this variant in disease. Therefore, it has been classified as a Variant of Uncertain Significance. An algorithm developed to predict the effect of missense changes on protein structure and function (PolyPhen-2) suggests that this variant is likely to be disruptive. ClinVar contains an entry for this variant (Variation ID: 640833). This variant has not been reported in the literature in individuals affected with DCLRE1B-related conditions. This variant is present in population databases (rs754841219, gnomAD 0.003%). This sequence change replaces proline, which is neutral and non-polar, with arginine, which is basic and polar, at codon 317 of the DCLRE1B protein (p.Pro317Arg).